The following is an entry in ClinVar:

ClinVar aggregate classification (germline): Uncertain significance (1 of 4 stars; one submission).

Submission:

Labcorp Genetics (formerly Invitae), Labcorp
Classification: Uncertain significance. Last evaluated: 2019-09-18. Review status: criteria provided, single submitter. Criteria: Invitae Variant Classification Sherloc (09022015). Collection method: clinical testing. Allele origin: germline.
Comment: This variant has not been reported in the literature in individuals with SEMA4A-related conditions. This sequence change replaces asparagine with lysine at codon 200 of the SEMA4A protein (p.Asn200Lys). The asparagine residue is moderately conserved and there is a moderate physicochemical difference between asparagine and lysine. This variant is not present in population databases (ExAC no frequency). Algorithms developed to predict the effect of missense changes on protein structure and function are either unavailable or do not agree on the potential impact of this missense change (SIFT: "Tolerated"; PolyPhen-2: "Probably Damaging"; Align-GVGD: "Class C0"). In summary, the available evidence is currently insufficient to determine the role of this variant in disease. Therefore, it has been classified as a Variant of Uncertain Significance.

NM_022367.4(SEMA4A):c.600C>A (p.Asn200Lys)

Gene: SEMA4A (semaphorin 4A; plus strand). Cytogenetic location: 1q22.
Variant type: single nucleotide variant.
Coding change: c.600C>A on transcript NM_022367.4 (MANE Select); coding-DNA position 600, C replaced by A.
Protein change: p.Asn200Lys; replaces asparagine 200 with lysine.
Molecular consequence: missense variant.
Genome position (GRCh38, 1-based): chr1:156,160,474, C>A. VCF-style: chr1-156160474-C-A. GRCh37 (hg19) VCF-style: chr1-156130265-C-A.
Other names: c.600C>A, p.Asn200Lys (NM_001193300.2, NM_001193301.2, NM_001370567.1); c.204C>A, p.Asn68Lys (NM_001193302.2); c.303C>A, p.Asn101Lys (NM_001370568.1); c.93C>A, p.Asn31Lys (NM_001370569.1, NM_001370571.1); short protein forms N101K, N200K, N31K, N68K.
Identifiers: ClinVar variation 958158 (VCV000958158.9), dbSNP rs1653484328, ClinGen allele CA342837743.
Genomic context (GRCh38, chr1:156,160,474, plus strand): 5'-GTTCTCTCTTCTCCTCTCCTCCACCCTAGATGGGATGCTCTATTCTGGTACTATGAACAA[C>A]TTCCTGGGCAGTGAGCCCATCCTGATGCGCACACTGGGATCCCAGCCTGTCCTCAAGACC-3'
Protein context (NP_071762.2, residues 190-210): DGMLYSGTMN[Asn200Lys]FLGSEPILMR